The following is an entry in ClinVar:

NM_198525.3(KIF7):c.448A>C (p.Lys150Gln)

Gene: KIF7 (kinesin family member 7; minus strand). Cytogenetic location: 15q26.1.
Variant type: single nucleotide variant.
Coding change: c.448A>C on transcript NM_198525.3 (MANE Select); coding-DNA position 448, A replaced by C.
Protein change: p.Lys150Gln; replaces lysine 150 with glutamine.
Molecular consequence: missense variant.
Genome position (GRCh38, 1-based): chr15:89,649,822, T>G on the plus strand (A>C on the coding strand, the complement: KIF7 is on the minus strand). VCF-style: chr15-89649822-T-G. GRCh37 (hg19) VCF-style: chr15-90193053-T-G.
Other names: short protein forms K150Q.
Identifiers: ClinVar variation 1314622 (VCV001314622.11), dbSNP rs1050207869, ClinGen allele CA274583118.
Genomic context (GRCh38, chr15:89,649,822, plus strand): 5'-CCCGGAGCTGGATGTCACGGCTGGCAGTGCCCACCTCGAGCAGGTCTCGGAACTCCTCCT[T>G]GTACACTTCCAGGTAGGACACATGTACCAGACAGTCAAGCAGGTCGTTCTCATCGATGAG-3'
Protein context (NP_940927.2, residues 140-160): LVHVSYLEVY[Lys150Gln]EEFRDLLEVG

ClinVar aggregate classification (germline): Uncertain significance. Review status: criteria provided, multiple submitters, no conflicts (2 of 4 stars). 4 submissions from 4 submitters: Uncertain significance (4). Last evaluated 2024-12-05.

Conditions:
Acrocallosal syndrome (ACLS). Also called: Schinzel syndrome 1; Absence of corpus callosum with unusual facial appearance, mental deficiency, duplication of the halluces and polydactyly; HALLUX DUPLICATION, POSTAXIAL POLYDACTYLY, AND ABSENCE OF CORPUS CALLOSUM. Identifiers: Orphanet 36, MedGen C0796147, MONDO:0008708, OMIM 200990.
Inborn genetic diseases. Identifiers: MedGen C0950123, MeSH D030342.

Allele frequency attached by ClinVar (database versions not stated): gnomAD exomes 0.00001 and 0.00002; gnomAD 0.00002; TOPMed 0.00002.
gnomAD v4.1: 29 of 1,551,700 alleles (0.0019%); highest among the groups gnomAD compares: Non-Finnish European, 0.0025%; no homozygotes.

Submissions (4):

Labcorp Genetics (formerly Invitae), Labcorp
Classification: Uncertain significance for Acrocallosal syndrome. Last evaluated: 2024-12-05. Review status: criteria provided, single submitter. Criteria: Invitae Variant Classification Sherloc (09022015). Collection method: clinical testing. Allele origin: germline.
Comment: This sequence change replaces lysine, which is basic and polar, with glutamine, which is neutral and polar, at codon 150 of the KIF7 protein (p.Lys150Gln). This variant is present in population databases (no rsID available, gnomAD 0.003%). This variant has not been reported in the literature in individuals affected with KIF7-related conditions. ClinVar contains an entry for this variant (Variation ID: 1314622). Invitae Evidence Modeling of protein sequence and biophysical properties (such as structural, functional, and spatial information, amino acid conservation, physicochemical variation, residue mobility, and thermodynamic stability) has been performed for this missense variant. However, the output from this modeling did not meet the statistical confidence thresholds required to predict the impact of this variant on KIF7 protein function. In summary, the available evidence is currently insufficient to determine the role of this variant in disease. Therefore, it has been classified as a Variant of Uncertain Significance.

Blueprint Genetics
Classification: Uncertain significance. Last evaluated: 2024-03-08. Review status: criteria provided, single submitter. Criteria: ACMG Guidelines, 2015. Collection method: clinical testing. Allele origin: germline.

Ambry Genetics
Classification: Uncertain significance for Inborn genetic diseases. Last evaluated: 2023-06-06. Review status: criteria provided, single submitter. Criteria: Ambry Variant Classification Scheme 2023. Collection method: clinical testing. Allele origin: germline.

GeneDx
Classification: Uncertain significance. Last evaluated: 2021-04-12. Review status: criteria provided, single submitter. Criteria: GeneDx Variant Classification Process June 2021. Collection method: clinical testing. Allele origin: germline. Affected: yes.
Comment: Not observed at a significant frequency in large population cohorts (Lek et al., 2016); In silico analysis supports that this missense variant has a deleterious effect on protein structure/function; Has not been previously published as pathogenic or benign to our knowledge